The following is an entry in ClinVar:

ClinVar aggregate classification (germline): Conflicting classifications of pathogenicity. Review status: criteria provided, conflicting classifications (1 of 4 stars). 2 submissions from 2 submitters: Uncertain significance (1); Likely benign (1). Last evaluated 2026-03-25.

Conditions:
Hereditary cancer-predisposing syndrome. Also called: Tumor predisposition; Hereditary neoplastic syndrome; Neoplastic Syndromes, Hereditary; Hereditary Cancer Syndrome. Identifiers: Orphanet 140162, MedGen C0027672, MeSH D009386, MONDO:0015356.
Multiple endocrine neoplasia, type 2 (MEN2). Identifiers: Orphanet 653, MedGen C4048306, MONDO:0019003. Disease mechanism: gain of function.

Submissions (2):

Ambry Genetics
Classification: Likely benign for Hereditary cancer-predisposing syndrome. Last evaluated: 2026-03-25. Review status: criteria provided, single submitter. Criteria: Ambry Variant Classification Scheme 2023. Collection method: clinical testing. Allele origin: germline.

Labcorp Genetics (formerly Invitae), Labcorp
Classification: Uncertain significance for Multiple endocrine neoplasia, type 2. Last evaluated: 2025-07-20. Review status: criteria provided, single submitter. Criteria: Invitae Variant Classification Sherloc (09022015). Collection method: clinical testing. Allele origin: germline.
Comment: This sequence change replaces alanine, which is neutral and non-polar, with valine, which is neutral and non-polar, at codon 59 of the RET protein (p.Ala59Val). This variant is not present in population databases (gnomAD no frequency). This variant has not been reported in the literature in individuals affected with RET-related conditions. ClinVar contains an entry for this variant (Variation ID: 477326). An algorithm developed to predict the effect of missense changes on protein structure and function outputs the following: PolyPhen-2: "Benign". The valine amino acid residue is found in multiple mammalian species, which suggests that this missense change does not adversely affect protein function. In summary, the available evidence is currently insufficient to determine the role of this variant in disease. Therefore, it has been classified as a Variant of Uncertain Significance.

NM_020975.6(RET):c.176C>T (p.Ala59Val)

Gene: RET (ret proto-oncogene; plus strand). Cytogenetic location: 10q11.21.
Variant type: single nucleotide variant.
Coding change: c.176C>T on transcript NM_020975.6 (MANE Select); coding-DNA position 176, C replaced by T.
Protein change: p.Ala59Val; replaces alanine 59 with valine.
Molecular consequence: missense variant.
Genome position (GRCh38, 1-based): chr10:43,100,561, C>T. VCF-style: chr10-43100561-C-T. GRCh37 (hg19) VCF-style: chr10-43596009-C-T.
Other names: c.176C>T, p.Ala59Val (NM_000323.2, NM_001406743.1, NM_001406744.1 and 34 more transcripts); short protein forms A59V.
Identifiers: ClinVar variation 477326 (VCV000477326.10), dbSNP rs1554817372, ClinGen allele CA376770251.